The following is an entry in ClinVar:

ClinVar aggregate classification (germline): Pathogenic (1 of 4 stars; one submission).

Conditions:
Duchenne muscular dystrophy (DMD). Also called: Duchenne Muscular Dystrophy (DMD); MUSCULAR DYSTROPHY, PSEUDOHYPERTROPHIC PROGRESSIVE, DUCHENNE TYPE. Identifiers: Orphanet 98896, MedGen C0013264, MONDO:0010679, OMIM 310200.

Submission:

Labcorp Genetics (formerly Invitae), Labcorp
Classification: Pathogenic for Duchenne muscular dystrophy. Last evaluated: 2024-11-06. Review status: criteria provided, single submitter. Criteria: Invitae Variant Classification Sherloc (09022015). Collection method: clinical testing. Allele origin: germline.
Comment: This sequence change creates a premature translational stop signal (p.Phe1684Leufs*37) in the DMD gene. It is expected to result in an absent or disrupted protein product. Loss-of-function variants in DMD are known to be pathogenic (PMID: 16770791, 25007885). This variant is not present in population databases (gnomAD no frequency). This premature translational stop signal has been observed in individual(s) with Duchenne muscular dystrophy (PMID: 28859693). For these reasons, this variant has been classified as Pathogenic.

Literature cited by the submitters: PubMed 16770791; PubMed 25007885; PubMed 28859693.

NM_004006.3(DMD):c.5052del (p.Phe1684fs)

Gene: DMD (dystrophin; minus strand). Cytogenetic location: Xp21.1.
Variant type: Deletion.
Coding change: c.5052del on transcript NM_004006.3 (MANE Select); coding-DNA position 5052, one base deleted (T; older notation c.5052delT).
Protein change: p.Phe1684fs; shifts the reading frame from phenylalanine 1684.
Molecular consequence: frameshift variant.
Genome position (GRCh38, 1-based): chrX:32,364,684, A deleted on the plus strand (T on the coding strand, the reverse complement: DMD is on the minus strand); the first of 4 consecutive A bases (chrX:32,364,684-32,364,687); deleting any one gives the same sequence. VCF-style (leftmost placement, unchanged base first): chrX-32364683-CA-C. GRCh37 (hg19) VCF-style: chrX-32382800-CA-C.
Other names: c.5052delT (NM_004006.2); c.5028del, p.Phe1676fs (NM_000109.4); c.5040del, p.Phe1680fs (NM_004009.3); c.4683del, p.Phe1561fs (NM_004010.3); c.1029del, p.Phe343fs (NM_004011.4); c.1020del, p.Phe340fs (NM_004012.4); short protein forms F1676fs, F1680fs, F340fs, F343fs, F1561fs, F1684fs.
Identifiers: ClinVar variation 3724159 (VCV003724159.2), dbSNP rs398123977.